The following is an entry in ClinVar:

NM_015164.4(PLEKHM2):c.2770G>A (p.Val924Ile)

Gene: PLEKHM2 (pleckstrin homology and RUN domain containing M2; plus strand). Cytogenetic location: 1p36.21.
Variant type: single nucleotide variant.
Coding change: c.2770G>A on transcript NM_015164.4 (MANE Select); coding-DNA position 2770, G replaced by A.
Protein change: p.Val924Ile; replaces valine 924 with isoleucine.
Molecular consequence: missense variant.
Genome position (GRCh38, 1-based): chr1:15,732,494, G>A. VCF-style: chr1-15732494-G-A. GRCh37 (hg19) VCF-style: chr1-16058989-G-A.
Other names: short protein forms V924I.
Identifiers: ClinVar variation 1463589 (VCV001463589.6), dbSNP rs754516943, ClinGen allele CA617343.

ClinVar aggregate classification (germline): Uncertain significance (1 of 4 stars; one submission).

Allele frequency attached by ClinVar (database versions not stated): gnomAD exomes 0.00002 and 0.00003; ExAC 0.00003; gnomAD 0.00003 and 0.00004; TOPMed 0.00004.
gnomAD v4.1: 41 of 1,608,292 alleles (0.0025%); highest among the groups gnomAD compares: South Asian, 0.0033%; no homozygotes.

Submission:

Labcorp Genetics (formerly Invitae), Labcorp
Classification: Uncertain significance. Last evaluated: 2025-11-25. Review status: criteria provided, single submitter. Criteria: Invitae Variant Classification Sherloc (09022015). Collection method: clinical testing. Allele origin: germline.
Comment: This sequence change replaces valine, which is neutral and non-polar, with isoleucine, which is neutral and non-polar, at codon 924 of the PLEKHM2 protein (p.Val924Ile). The frequency data for this variant in the population databases is considered unreliable, as metrics indicate poor data quality at this position in the gnomAD database. This variant has not been reported in the literature in individuals affected with PLEKHM2-related conditions. ClinVar contains an entry for this variant (Variation ID: 1463589). An algorithm developed to predict the effect of missense changes on protein structure and function outputs the following: PolyPhen-2: "Benign". The isoleucine amino acid residue is found in multiple mammalian species, which suggests that this missense change does not adversely affect protein function. In summary, the available evidence is currently insufficient to determine the role of this variant in disease. Therefore, it has been classified as a Variant of Uncertain Significance.